The following is an entry in ClinVar:

NM_020361.5(CPA6):c.1021A>G (p.Ile341Val)

Genes: ARFGEF1-DT (ARFGEF1 divergent transcript; plus strand), CPA6 (carboxypeptidase A6; minus strand). Cytogenetic location: 8q13.2.
Variant type: single nucleotide variant.
Coding change: c.1021A>G on transcript NM_020361.5 (MANE Select); coding-DNA position 1021, A replaced by G.
Protein change: p.Ile341Val; replaces isoleucine 341 with valine.
Molecular consequence: missense variant.
Genome position (GRCh38, 1-based): chr8:67,434,058, T>C on the plus strand (A>G on the coding strand, the complement: CPA6 is on the minus strand). VCF-style: chr8-67434058-T-C. GRCh37 (hg19) VCF-style: chr8-68346293-T-C.
Other names: short protein forms I341V.
Identifiers: ClinVar variation 363604 (VCV000363604.21), dbSNP rs766177388, ClinGen allele CA4772757.

ClinVar aggregate classification (germline): Uncertain significance. Review status: criteria provided, multiple submitters, no conflicts (2 of 4 stars). 5 submissions from 5 submitters: Uncertain significance (5). Last evaluated 2026-02-01.

Conditions:
Familial temporal lobe epilepsy 5. Identifiers: MedGen C3280730, MONDO:0013741, OMIM 614417.
Febrile seizures, familial, 11 (FEB11). Also called: CONVULSIONS, FAMILIAL FEBRILE, 11. Identifiers: MedGen C3280734, MONDO:0024566, OMIM 614418.

Allele frequency attached by ClinVar (database versions not stated): gnomAD 0.00005 and 0.00006; ExAC 0.00007; gnomAD exomes 0.00008 and 0.00012; TOPMed 0.00011.
gnomAD v4.1: 125 of 1,612,498 alleles (0.0078%); highest among the groups gnomAD compares: Middle Eastern, 0.055%; no homozygotes.

Submissions (5):

CeGaT Center for Human Genetics Tuebingen
Classification: Uncertain significance. Last evaluated: 2026-02-01. Review status: criteria provided, single submitter. Criteria: CeGaT Center For Human Genetics Tuebingen Variant Classification Criteria Version 2. Collection method: clinical testing. Allele origin: germline. Affected: yes. Observed: 1 variant allele.
Comment: CPA6: PM2

Blueprint Genetics
Classification: Uncertain significance. Last evaluated: 2024-11-08. Review status: criteria provided, single submitter. Criteria: ACMG Guidelines, 2015. Collection method: clinical testing. Allele origin: germline.

Labcorp Genetics (formerly Invitae), Labcorp
Classification: Uncertain significance for Febrile seizures, familial, 11. Last evaluated: 2022-03-03. Review status: criteria provided, single submitter. Criteria: Invitae Variant Classification Sherloc (09022015). Collection method: clinical testing. Allele origin: germline.
Comment: Algorithms developed to predict the effect of missense changes on protein structure and function are either unavailable or do not agree on the potential impact of this missense change (SIFT: "Tolerated"; PolyPhen-2: "Probably Damaging"; Align-GVGD: "Class C0"). In summary, the available evidence is currently insufficient to determine the role of this variant in disease. Therefore, it has been classified as a Variant of Uncertain Significance. Algorithms developed to predict the effect of sequence changes on RNA splicing suggest that this variant may create or strengthen a splice site. ClinVar contains an entry for this variant (Variation ID: 363604). This variant has not been reported in the literature in individuals affected with CPA6-related conditions. This variant is present in population databases (rs766177388, gnomAD 0.03%). This sequence change replaces isoleucine, which is neutral and non-polar, with valine, which is neutral and non-polar, at codon 341 of the CPA6 protein (p.Ile341Val).

Illumina Laboratory Services, Illumina
Classification: Uncertain significance for Familial temporal lobe epilepsy 5. Last evaluated: 2018-01-13. Review status: criteria provided, single submitter. Criteria: ICSL Variant Classification Criteria 13 December 2019. Collection method: clinical testing. Allele origin: germline.

Center for Genomics, Ann and Robert H. Lurie Children's Hospital of Chicago
Classification: Uncertain significance for Febrile seizures, familial, 11; Familial temporal lobe epilepsy 5. Review status: criteria provided, single submitter. Criteria: ACMG Guidelines, 2015. Collection method: clinical testing. Allele origin: germline.
Comment: This variant has not been reported in the literature but is present in the Genome Aggregation Database (Highest reported MAF 0.01% (6/41458). This variant is present in ClinVar (Variation ID:363604). Evolutionary conservation and computational predictive tools suggest that this variant may not impact the protein. In summary, data on this variant is insufficient for disease classification. Therefore, the clinical significance of this variant is uncertain.